The following is an entry in ClinVar:

NM_001365999.1(SZT2):c.8982G>C (p.Met2994Ile)

Gene: SZT2 (SZT2 subunit of KICSTOR complex; plus strand). Cytogenetic location: 1p34.2.
Variant type: single nucleotide variant.
Coding change: c.8982G>C on transcript NM_001365999.1 (MANE Select); coding-DNA position 8982, G replaced by C.
Protein change: p.Met2994Ile; replaces methionine 2994 with isoleucine.
Molecular consequence: missense variant.
Genome position (GRCh38, 1-based): chr1:43,446,244, G>C. VCF-style: chr1-43446244-G-C. GRCh37 (hg19) VCF-style: chr1-43911915-G-C.
Other names: c.8811G>C, p.Met2937Ile (NM_015284.4); short protein forms M2937I, M2994I.
Identifiers: ClinVar variation 3766249 (VCV003766249.2).

ClinVar aggregate classification (germline): Uncertain significance. Review status: criteria provided, multiple submitters, no conflicts (2 of 4 stars). 2 submissions from 2 submitters: Uncertain significance (2). Last evaluated 2026-05-20.

Conditions:
Inborn genetic diseases. Identifiers: MedGen C0950123, MeSH D030342.

gnomAD v4.1: 1 of 1,614,128 alleles (0.000062%); highest among the groups gnomAD compares: Non-Finnish European, 0.000085%; no homozygotes.

Submissions (2):

Ambry Genetics
Classification: Uncertain significance for Inborn genetic diseases. Last evaluated: 2026-05-20. Review status: criteria provided, single submitter. Criteria: Ambry Variant Classification Scheme 2023. Collection method: clinical testing. Allele origin: germline.

GeneDx
Classification: Uncertain significance. Last evaluated: 2024-08-25. Review status: criteria provided, single submitter. Criteria: GeneDx Variant Classification Process June 2021. Collection method: clinical testing. Allele origin: germline. Affected: yes.
Comment: Not observed at significant frequency in large population cohorts (gnomAD); In silico analysis indicates that this missense variant does not alter protein structure/function; Has not been previously published as pathogenic or benign to our knowledge